The following is an entry in ClinVar:

ClinVar aggregate classification (germline): Uncertain significance. Review status: criteria provided, multiple submitters, no conflicts (2 of 4 stars). 2 submissions from 2 submitters: Uncertain significance (2). Last evaluated 2025-12-28.

Allele frequency attached by ClinVar (database versions not stated): 1000 Genomes Project 30x 0.00016; 1000 Genomes Project 0.00020; ExAC 0.00020; gnomAD exomes 0.00023 and 0.00039; TOPMed 0.00025; gnomAD 0.00026 and 0.00027; ESP Exome Variant Server 0.00031.
gnomAD v4.1: 590 of 1,590,696 alleles (0.037%); highest among the groups gnomAD compares: Non-Finnish European, 0.048%; 1 homozygote.

Submissions (2):

Labcorp Genetics (formerly Invitae), Labcorp
Classification: Uncertain significance. Last evaluated: 2025-12-28. Review status: criteria provided, single submitter. Criteria: Invitae Variant Classification Sherloc (09022015). Collection method: clinical testing. Allele origin: germline.
Comment: This sequence change replaces isoleucine, which is neutral and non-polar, with valine, which is neutral and non-polar, at codon 497 of the POLE2 protein (p.Ile497Val). This variant is present in population databases (rs142322471, gnomAD 0.04%). This variant has not been reported in the literature in individuals affected with POLE2-related conditions. ClinVar contains an entry for this variant (Variation ID: 1447260). An algorithm developed to predict the effect of missense changes on protein structure and function (PolyPhen-2) suggests that this variant is likely to be tolerated. In summary, the available evidence is currently insufficient to determine the role of this variant in disease. Therefore, it has been classified as a Variant of Uncertain Significance.

Breakthrough Genomics
Classification: Uncertain significance. Review status: criteria provided, single submitter. Criteria: ACMG Guidelines, 2015. Collection method: not provided. Allele origin: germline. Inheritance: Unknown mechanism. Affected: yes.

NM_002692.4(POLE2):c.1489A>G (p.Ile497Val)

Gene: POLE2 (DNA polymerase epsilon 2, accessory subunit; minus strand). Cytogenetic location: 14q21.3.
Variant type: single nucleotide variant.
Coding change: c.1489A>G on transcript NM_002692.4 (MANE Select); coding-DNA position 1489, A replaced by G.
Protein change: p.Ile497Val; replaces isoleucine 497 with valine.
Molecular consequence: missense variant.
Genome position (GRCh38, 1-based): chr14:49,650,273, T>C on the plus strand (A>G on the coding strand, the complement: POLE2 is on the minus strand). VCF-style: chr14-49650273-T-C. GRCh37 (hg19) VCF-style: chr14-50116991-T-C.
Other names: c.1411A>G, p.Ile471Val (NM_001197330.2); c.1489A>G, p.Ile497Val (NM_001197331.3); c.1486A>G, p.Ile496Val (NM_001348384.2); c.1258A>G, p.Ile420Val (NM_001348385.2); short protein forms I471V, I496V, I497V, I420V.
Identifiers: ClinVar variation 1447260 (VCV001447260.7), dbSNP rs142322471, ClinGen allele CA7173260.
Genomic context (GRCh38, chr14:49,650,273, plus strand): 5'-TGCACTCTAATCTTGATAAATAATGACTATATAAGATTAACTACATTCTTACAGGGTTTA[T>C]GCAGAGGCATTCGGTATTTGTCGTAGTGAAAGGATCATATTTGTCTGCAATGACAAGTAG-3'
Protein context (NP_002683.2, residues 487-507): FTTTNTECLC[Ile497Val]NPGSFPRSGF